The following is an entry in ClinVar:

ClinVar aggregate classification (germline): Uncertain significance (1 of 4 stars; one submission).

gnomAD v4.1: 2 of 1,613,916 alleles (0.00012%); highest among the groups gnomAD compares: Non-Finnish European, 0.000085%; no homozygotes.

Submission:

GeneDx
Classification: Uncertain significance. Last evaluated: 2023-04-10. Review status: criteria provided, single submitter. Criteria: GeneDx Variant Classification Process June 2021. Collection method: clinical testing. Allele origin: germline. Affected: yes.
Comment: Not observed at significant frequency in large population cohorts (gnomAD); In silico analysis supports that this missense variant does not alter protein structure/function; Has not been previously published as pathogenic or benign to our knowledge

NM_000243.3(MEFV):c.248C>T (p.Ala83Val)

Gene: MEFV (MEFV innate immunity regulator, pyrin; minus strand). Cytogenetic location: 16p13.3.
Variant type: single nucleotide variant.
Coding change: c.248C>T on transcript NM_000243.3 (MANE Select); coding-DNA position 248, C replaced by T.
Protein change: p.Ala83Val; replaces alanine 83 with valine.
Molecular consequence: missense variant.
Genome position (GRCh38, 1-based): chr16:3,256,340, G>A on the plus strand (C>T on the coding strand, the complement: MEFV is on the minus strand). VCF-style: chr16-3256340-G-A. GRCh37 (hg19) VCF-style: chr16-3306340-G-A.
Other names: c.248C>T, p.Ala83Val (NM_001198536.2); short protein forms A83V.
Identifiers: ClinVar variation 2662407 (VCV002662407.1), dbSNP rs1201136546, ClinGen allele CA394483505.
Genomic context (GRCh38, chr16:3,256,340, plus strand): 5'-CTGGATGAGGAGGAGGCCTGGGCCCGCTTACCCTGAATGGCTGCCCTGTGGAGCTCCTCG[G>A]CCAGCAGGCGCTGGTTGATGGCCCGCAGGACCTGCAGGGTGAGCTGCACGGCGTACTCTT-3'
Protein context (NP_000234.1, residues 73-93): VLRAINQRLL[Ala83Val]EELHRAAIQE